The following is an entry in ClinVar:

NM_001127178.3(PIGG):c.182C>G (p.Pro61Arg)

Gene: PIGG (phosphatidylinositol glycan anchor biosynthesis class G (EMM blood group); plus strand). Cytogenetic location: 4p16.3.
Variant type: single nucleotide variant.
Coding change: c.182C>G on transcript NM_001127178.3 (MANE Select); coding-DNA position 182, C replaced by G.
Protein change: p.Pro61Arg; replaces proline 61 with arginine.
Molecular consequence: missense variant. On other transcripts: 5 prime UTR variant (10), non-coding transcript variant (10).
Genome position (GRCh38, 1-based): chr4:500,423, C>G. VCF-style: chr4-500423-C-G. GRCh37 (hg19) VCF-style: chr4-494212-C-G.
Other names: c.182C>G (NM_001127178.1); c.-86C>G (NM_001289051.2, NM_001289053.2, NM_001289057.2 and 2 more transcripts); c.182C>G, p.Pro61Arg (NM_001289052.2, NM_001345989.2, NM_017733.5); c.-255C>G (NM_001289055.2); c.-706C>G (NM_001345988.2); c.-1444C>G (NM_001345990.2); c.-1306C>G (NM_001345991.2); c.-1031C>G (NM_001345994.2); short protein forms P61R.
Identifiers: ClinVar variation 1405748 (VCV001405748.7), dbSNP rs561293197, ClinGen allele CA2792932.

ClinVar aggregate classification (germline): Uncertain significance. Review status: criteria provided, multiple submitters, no conflicts (2 of 4 stars). 2 submissions from 2 submitters: Uncertain significance (2). Last evaluated 2025-11-08.

Conditions:
Intellectual disability, autosomal recessive 53 (NEDHSCA). Also called: GLYCOSYLPHOSPHATIDYLINOSITOL BIOSYNTHESIS DEFECT 13; Mental retardation, autosomal recessive 53; NEURODEVELOPMENTAL DISORDER WITH OR WITHOUT HYPOTONIA, SEIZURES, AND CEREBELLAR ATROPHY. Identifiers: Orphanet 488635, MedGen C4310794, MONDO:0014832, OMIM 616917.
Inborn genetic diseases. Identifiers: MedGen C0950123, MeSH D030342.

Allele frequency attached by ClinVar (database versions not stated): gnomAD exomes below 0.00001 and 0.00001; ExAC 0.00001; gnomAD 0.00001; TOPMed 0.00002; 1000 Genomes Project 0.00020; 1000 Genomes Project 30x 0.00031.
gnomAD v4.1: 6 of 1,613,868 alleles (0.00037%); highest among the groups gnomAD compares: African/African-American, 0.008%; no homozygotes.

Submissions (2):

Ambry Genetics
Classification: Uncertain significance for Inborn genetic diseases. Last evaluated: 2025-11-08. Review status: criteria provided, single submitter. Criteria: Ambry Variant Classification Scheme 2023. Collection method: clinical testing. Allele origin: germline.

Labcorp Genetics (formerly Invitae), Labcorp
Classification: Uncertain significance for Intellectual disability, autosomal recessive 53. Last evaluated: 2021-10-02. Review status: criteria provided, single submitter. Criteria: Invitae Variant Classification Sherloc (09022015). Collection method: clinical testing. Allele origin: germline.
Comment: This variant is present in population databases (rs561293197, ExAC 0.01%). This sequence change replaces proline with arginine at codon 61 of the PIGG protein (p.Pro61Arg). The proline residue is highly conserved and there is a moderate physicochemical difference between proline and arginine. This variant has not been reported in the literature in individuals affected with PIGG-related conditions. In summary, the available evidence is currently insufficient to determine the role of this variant in disease. Therefore, it has been classified as a Variant of Uncertain Significance. Algorithms developed to predict the effect of missense changes on protein structure and function are either unavailable or do not agree on the potential impact of this missense change (SIFT: "Tolerated"; PolyPhen-2: "Probably Damaging"; Align-GVGD: "Class C0").